The following is an entry in ClinVar:

NM_014252.4(SLC25A15):c.727_730dup (p.Gly244fs)

Gene: SLC25A15 (solute carrier family 25 member 15; plus strand). Cytogenetic location: 13q14.11.
Variant type: Duplication.
Coding change: c.727_730dup on transcript NM_014252.4 (MANE Select); coding-DNA positions 727 to 730, 4 bases duplicated (TCTG; older notation c.727_730dupTCTG).
Protein change: p.Gly244fs; shifts the reading frame from glycine 244.
Molecular consequence: frameshift variant.
Genome position (GRCh38, 1-based): chr13:40,808,542-40,808,545, TCTG duplicated; duplicating any 4 consecutive bases within chr13:40,808,540-40,808,545 gives the same sequence; the c. name uses the placement nearest the transcript's 3' end. VCF-style (leftmost placement, unchanged base first): chr13-40808539-A-ATGTC. GRCh37 (hg19) VCF-style: chr13-41382675-A-ATGTC.
Other names: short protein forms G244fs.
Identifiers: ClinVar variation 2860076 (VCV002860076.3), dbSNP rs2546922684, ClinGen allele CA2739277597.

ClinVar aggregate classification (germline): Pathogenic (1 of 4 stars; one submission).

Conditions:
Hyperornithinemia-hyperammonemia-homocitrullinuria syndrome (HHHS). Also called: HHH SYNDROME; Ornithine translocase deficiency. Identifiers: Orphanet 415, MedGen C0268540, MONDO:0009393, OMIM 238970.

Submission:

Labcorp Genetics (formerly Invitae), Labcorp
Classification: Pathogenic for Hyperornithinemia-hyperammonemia-homocitrullinuria syndrome. Last evaluated: 2023-04-28. Review status: criteria provided, single submitter. Criteria: Invitae Variant Classification Sherloc (09022015). Collection method: clinical testing. Allele origin: germline.
Comment: For these reasons, this variant has been classified as Pathogenic. This variant disrupts a region of the SLC25A15 protein in which other variant(s) (p.Arg275*) have been determined to be pathogenic (PMID: 16376511, 23430880). This suggests that this is a clinically significant region of the protein, and that variants that disrupt it are likely to be disease-causing. This variant has not been reported in the literature in individuals affected with SLC25A15-related conditions. This variant is not present in population databases (gnomAD no frequency). This sequence change creates a premature translational stop signal (p.Gly244Valfs*18) in the SLC25A15 gene. While this is not anticipated to result in nonsense mediated decay, it is expected to disrupt the last 58 amino acid(s) of the SLC25A15 protein.

Literature cited by the submitters: PubMed 16376511; PubMed 23430880.